The following is an entry in ClinVar:

ClinVar aggregate classification (germline): Uncertain significance. Review status: criteria provided, multiple submitters, no conflicts (2 of 4 stars). 2 submissions from 2 submitters: Uncertain significance (2). Last evaluated 2024-09-23.

Conditions:
Malignant hyperthermia, susceptibility to, 1 (MHS1). Also called: Anesthesia related hyperthermia; Malignant hyperpyrexia; Fulminating hyperpyrexia; Pharmacogenic myopathy; RYR1-Related Malignant Hyperthermia Susceptibility; Malignant hyperthermia suceptibility 1. Identifiers: Orphanet 423, MedGen C2930980, MONDO:0007783, OMIM 145600.
RYR1-related disorder. Also called: RYR1-related condition; RYR1-related disorders. Identifiers: MedGen CN239331.

Submissions (2):

All of Us Research Program, National Institutes of Health
Classification: Uncertain significance for Malignant hyperthermia, susceptibility to, 1. Last evaluated: 2024-09-23. Review status: criteria provided, single submitter. Criteria: ACMG Guidelines, 2015. Collection method: clinical testing. Allele origin: germline. Inheritance: Autosomal dominant inheritance. Observed: 1 variant allele, 1 heterozygote.
Comment: This study involves interpretation of variants in research participants for the purpose of population health screening. Participant phenotype was not available at the time of variant classification. Additional details can be found in publication PMID: 35346344, PMCID: PMC8962531

Labcorp Genetics (formerly Invitae), Labcorp
Classification: Uncertain significance for RYR1-related disorder. Last evaluated: 2022-12-24. Review status: criteria provided, single submitter. Criteria: Invitae Variant Classification Sherloc (09022015). Collection method: clinical testing. Allele origin: germline.
Comment: In summary, the available evidence is currently insufficient to determine the role of this variant in disease. Therefore, it has been classified as a Variant of Uncertain Significance. Advanced modeling of protein sequence and biophysical properties (such as structural, functional, and spatial information, amino acid conservation, physicochemical variation, residue mobility, and thermodynamic stability) performed at Invitae indicates that this missense variant is not expected to disrupt RYR1 protein function. This variant has not been reported in the literature in individuals affected with RYR1-related conditions. This variant is not present in population databases (gnomAD no frequency). This sequence change replaces threonine, which is neutral and polar, with serine, which is neutral and polar, at codon 3020 of the RYR1 protein (p.Thr3020Ser).

NM_000540.3(RYR1):c.9058A>T (p.Thr3020Ser)

Gene: RYR1 (ryanodine receptor 1; plus strand). Cytogenetic location: 19q13.2.
Variant type: single nucleotide variant.
Coding change: c.9058A>T on transcript NM_000540.3 (MANE Select); coding-DNA position 9058, A replaced by T.
Protein change: p.Thr3020Ser; replaces threonine 3020 with serine.
Molecular consequence: missense variant.
Genome position (GRCh38, 1-based): chr19:38,510,717, A>T. VCF-style: chr19-38510717-A-T. GRCh37 (hg19) VCF-style: chr19-39001357-A-T.
Other names: c.9058A>T, p.Thr3020Ser (NM_001042723.2); short protein forms T3020S.
Identifiers: ClinVar variation 2823830 (VCV002823830.4), dbSNP rs2514395122, ClinGen allele CA405683779.